The following is an entry in ClinVar:

NM_173630.4(RTTN):c.4889G>C (p.Arg1630Thr)

Gene: RTTN (rotatin; minus strand). Cytogenetic location: 18q22.2.
Variant type: single nucleotide variant.
Coding change: c.4889G>C on transcript NM_173630.4 (MANE Select); coding-DNA position 4889, G replaced by C.
Protein change: p.Arg1630Thr; replaces arginine 1630 with threonine.
Molecular consequence: missense variant.
Genome position (GRCh38, 1-based): chr18:70,059,901, C>G on the plus strand (G>C on the coding strand, the complement: RTTN is on the minus strand). VCF-style: chr18-70059901-C-G. GRCh37 (hg19) VCF-style: chr18-67727137-C-G.
Other names: c.2153G>C, p.Arg718Thr (NM_001318520.2); short protein forms R1630T, R718T.
Identifiers: ClinVar variation 130183 (VCV000130183.24), dbSNP rs182595458, ClinGen allele CA155010.
Genomic context (GRCh38, chr18:70,059,901, plus strand): 5'-ATCTCTTACCTACAGAGAAGTTCTATGAGATGAGCTTGTCGAAAAGCCTTTGCAGTGTCT[C>G]TGGGAGCAATCGTCAAGAGGTTGTCCAAGAGGCTGCACATTGCTGAAAGAAGAGATGGAG-3'
Protein context (NP_775901.3, residues 1620-1640): LLDNLLTIAP[Arg1630Thr]DTAKAFRQAH

ClinVar aggregate classification (germline): Benign/Likely benign. Review status: criteria provided, multiple submitters, no conflicts (2 of 4 stars). 7 submissions from 7 submitters: Benign (4); Likely benign (1). 2 of the submissions do not count toward it. Last evaluated 2026-01-27.

Conditions:
RTTN-related disorder. Also called: RTTN-related condition.
Microcephalic primordial dwarfism due to RTTN deficiency (MSSP). Also called: Microcephaly, short stature, and polymicrogyria with or without seizures; MICROCEPHALY, SHORT STATURE, AND POLYMICROGYRIA. Identifiers: Orphanet 468631, MedGen C3553831, MONDO:0018764, OMIM 614833.

Allele frequency attached by ClinVar (database versions not stated): ESP Exome Variant Server 0.00008; gnomAD 0.00389 and 0.00394; 1000 Genomes Project 0.00659; 1000 Genomes Project 30x 0.00687; ExAC 0.00740; TOPMed 0.00772; gnomAD exomes 0.01001.
gnomAD v4.1: 3,672 of 1,613,466 alleles (0.23%); highest among the groups gnomAD compares: Admixed American, 5.8%; 122 homozygotes.

Submissions (10):

Labcorp Genetics (formerly Invitae), Labcorp
Classification: Benign. Last evaluated: 2026-01-27. Review status: criteria provided, single submitter. Criteria: Invitae Variant Classification Sherloc (09022015). Collection method: clinical testing. Allele origin: germline.

Fulgent Genetics
Classification: Likely benign for Microcephalic primordial dwarfism due to RTTN deficiency. Last evaluated: 2022-02-14. Review status: criteria provided, single submitter. Criteria: ACMG Guidelines, 2015. Collection method: clinical testing. Allele origin: unknown.

GeneDx
Classification: Benign. Last evaluated: 2016-03-25. Review status: criteria provided, single submitter. Criteria: GeneDx Variant Classification (06012015). Collection method: clinical testing. Allele origin: germline. Affected: yes.
Comment: This variant is considered likely benign or benign based on one or more of the following criteria: it is a conservative change, it occurs at a poorly conserved position in the protein, it is predicted to be benign by multiple in silico algorithms, and/or has population frequency not consistent with disease.

Eurofins Ntd Llc (ga)
Classification: Benign. Last evaluated: 2015-01-23. Review status: criteria provided, single submitter. Criteria: EGL Classification Definitions 2015. Collection method: clinical testing. Allele origin: germline. Observed: 1 variant allele, 1 heterozygote.

Breakthrough Genomics
Classification: Benign. Review status: criteria provided, single submitter. Criteria: ACMG Guidelines, 2015. Collection method: not provided. Allele origin: germline. Inheritance: Autosomal recessive inheritance. Affected: yes.

PreventionGenetics, part of Exact Sciences
Classification: Benign for RTTN-related condition. Last evaluated: 2019-04-29. Review status: no assertion criteria provided. Collection method: clinical testing. Allele origin: germline. Not counted in ClinVar's aggregate classification.
Comment: This variant is classified as benign based on ACMG/AMP sequence variant interpretation guidelines (Richards et al. 2015 PMID: 25741868, with internal and published modifications).

Dr. Peter K. Rogan Lab, Western University
No classification provided (evidence only). Condition: Clear cell carcinoma of kidney. Review status: no classification provided. Collection method: in vitro. Allele origin: not applicable. Functional consequence: retained intron. Not counted in ClinVar's aggregate classification.

Dr. Peter K. Rogan Lab, Western University
No classification provided (evidence only). Condition: Familial cancer of breast. Review status: no classification provided. Collection method: in vitro. Allele origin: not applicable. Functional consequence: retained intron. Not counted in ClinVar's aggregate classification.

Dr. Peter K. Rogan Lab, Western University
No classification provided (evidence only). Condition: Cervical cancer. Review status: no classification provided. Collection method: in vitro. Allele origin: not applicable. Functional consequence: retained intron. Not counted in ClinVar's aggregate classification.

Genetic Services Laboratory, University of Chicago
Classification: Likely benign for AllHighlyPenetrant. Review status: no assertion criteria provided. Collection method: clinical testing. Allele origin: germline. Inheritance: Autosomal recessive inheritance. Not counted in ClinVar's aggregate classification.
Comment: Likely benign based on allele frequency in 1000 Genomes Project or ESP global frequency and its presence in a patient with a rare or unrelated disease phenotype. NOT Sanger confirmed.